The following is an entry in ClinVar:

ClinVar aggregate classification (germline): Uncertain significance (1 of 4 stars; one submission).

Conditions:
LRRC45-related disorder. Also called: LRRC45-related condition.

gnomAD v4.1: 4 of 1,577,792 alleles (0.00025%); highest among the groups gnomAD compares: Non-Finnish European, 0.00026%; no homozygotes.

Submission:

PreventionGenetics, part of Exact Sciences
Classification: Uncertain significance for LRRC45-related condition. Last evaluated: 2025-05-23. Review status: criteria provided, single submitter. Criteria: ACMG Guidelines, 2015. Collection method: clinical testing. Allele origin: germline.
Comment: The LRRC45 c.314C>A variant is predicted to result in the amino acid substitution p.Ala105Asp. To our knowledge, this variant has not been reported in the literature or in a large population database (gnomAD), indicating this variant is rare. At this time, the clinical significance of this variant is uncertain due to the absence of conclusive functional and genetic evidence.

NM_144999.4(LRRC45):c.314C>A (p.Ala105Asp)

Gene: LRRC45 (leucine rich repeat containing 45; plus strand). Cytogenetic location: 17q25.3.
Variant type: single nucleotide variant.
Coding change: c.314C>A on transcript NM_144999.4 (MANE Select); coding-DNA position 314, C replaced by A.
Protein change: p.Ala105Asp; replaces alanine 105 with aspartic acid.
Molecular consequence: missense variant.
Genome position (GRCh38, 1-based): chr17:82,024,724, C>A. VCF-style: chr17-82024724-C-A. GRCh37 (hg19) VCF-style: chr17-79982600-C-A.
Other names: short protein forms A105D.
Identifiers: ClinVar variation 4990215 (VCV004990215.1).